The following is an entry in ClinVar:

ClinVar aggregate classification (germline): Conflicting classifications of pathogenicity. Review status: criteria provided, conflicting classifications (1 of 4 stars). 4 submissions from 4 submitters: Uncertain significance (3); Likely benign (1). Last evaluated 2026-01-29.

Conditions:
Inborn genetic diseases. Identifiers: MedGen C0950123, MeSH D030342.

Allele frequency attached by ClinVar (database versions not stated): ExAC 0.00003; gnomAD 0.00005 and 0.00004; 1000 Genomes Project 30x 0.00062; TOPMed 0.00001; 1000 Genomes Project 0.00040.
gnomAD v4.1: 16 of 1,614,100 alleles (0.00099%); highest among the groups gnomAD compares: Admixed American, 0.017%; no homozygotes.

Submissions (4):

GeneDx
Classification: Uncertain significance. Last evaluated: 2026-01-29. Review status: criteria provided, single submitter. Criteria: GeneDx Variant Classification Process June 2021. Collection method: clinical testing. Allele origin: germline.
Comment: In silico analysis suggests that this missense variant does not alter protein structure/function; Has not been previously published as pathogenic or benign to our knowledge; This variant is associated with the following publications: (PMID: 21520338, 31554319, 9590290)

Ambry Genetics
Classification: Uncertain significance for Inborn genetic diseases. Last evaluated: 2025-08-21. Review status: criteria provided, single submitter. Criteria: Ambry Variant Classification Scheme 2023. Collection method: clinical testing. Allele origin: germline.

Labcorp Genetics (formerly Invitae), Labcorp
Classification: Likely benign. Last evaluated: 2024-08-13. Review status: criteria provided, single submitter. Criteria: Invitae Variant Classification Sherloc (09022015). Collection method: clinical testing. Allele origin: germline.

Laboratory for Molecular Medicine, Mass General Brigham Personalized Medicine
Classification: Uncertain significance. Last evaluated: 2018-05-08. Review status: criteria provided, single submitter. Criteria: LMM Criteria. Collection method: clinical testing. Allele origin: germline. Observed: 1 variant allele.
Comment: The p.Val932Leu variant in TECTA has not been previously reported in individuals with hearing loss, but has been identified in 5/33572 Latino chromosomes by the Genome Aggregation Database (gnomAD; dbSNP rs 200340759). Although this variant has been seen in the general population, its f requency is not high enough to rule out a pathogenic role. Computational predict ion tools and conservation analyses suggest that this variant may not impact the protein, though this information is not predictive enough to rule out pathogeni city. In summary, the clinical significance of the p.Val932Leu variant is uncert ain. ACMG/AMP Criteria applied: BP4.

NM_005422.4(TECTA):c.2794G>C (p.Val932Leu)

Genes: TBCEL-TECTA (TBCEL-TECTA readthrough; plus strand), TECTA (tectorin alpha; plus strand), LOC126861365 (P300/CBP strongly-dependent group 1 enhancer GRCh37_chr11:121000154-121001353; plus strand). Cytogenetic location: 11q23.3.
Variant type: single nucleotide variant.
Coding change: c.2794G>C on transcript NM_005422.4 (MANE Select); coding-DNA position 2794, G replaced by C.
Protein change: p.Val932Leu; replaces valine 932 with leucine.
Molecular consequence: missense variant.
Genome position (GRCh38, 1-based): chr11:121,130,064, G>C. VCF-style: chr11-121130064-G-C. GRCh37 (hg19) VCF-style: chr11-121000773-G-C.
Other names: c.3751G>C, p.Val1251Leu (NM_001378761.1); short protein forms V932L, V1251L.
Identifiers: ClinVar variation 666930 (VCV000666930.13), dbSNP rs200340759, ClinGen allele CA6327068.